The following is an entry in ClinVar:

ClinVar aggregate classification (germline): Conflicting classifications of pathogenicity. Review status: criteria provided, conflicting classifications (1 of 4 stars). 10 submissions from 6 submitters: Uncertain significance (7); Likely benign (3). Last evaluated 2025-12-14.

Conditions:
Hereditary cancer-predisposing syndrome. Also called: Neoplastic Syndromes, Hereditary; Hereditary Cancer Syndrome; Tumor predisposition; Hereditary neoplastic syndrome. Identifiers: Orphanet 140162, MedGen C0027672, MeSH D009386, MONDO:0015356.
Cardiovascular phenotype. Identifiers: MedGen CN230736.
Neurofibromatosis, type 1 (NF1). Also called: Peripheral type neurofibromatosis; Neurofibromatosis, type I; VON RECKLINGHAUSEN DISEASE; NEUROFIBROMATOSIS, TYPE I, SOMATIC. Identifiers: Orphanet 636, MedGen C0027831, MONDO:0018975, OMIM 162200. Disease mechanism: loss of function.
Neurofibromatosis-Noonan syndrome (NFNS). Also called: NEUROFIBROMATOSIS WITH NOONAN PHENOTYPE. Identifiers: Orphanet 638, MedGen C2931482, MONDO:0011035, OMIM 601321. Disease mechanism: loss of function.
Neurofibromatosis, familial spinal (FSNF). Identifiers: Orphanet 636, MedGen C1834235, MONDO:0008078, OMIM 162210. Disease mechanism: loss of function.
Café-au-lait macules with pulmonary stenosis (WTSN). Also called: PULMONIC STENOSIS WITH CAFE-AU-LAIT SPOTS. Identifiers: MedGen C0553586, MONDO:0008672, OMIM 193520.

Allele frequency attached by ClinVar (database versions not stated): gnomAD 0.00002; TOPMed 0.00003.
gnomAD v4.1: 9 of 1,613,484 alleles (0.00056%); highest among the groups gnomAD compares: East Asian, 0.011%; no homozygotes.

Submissions (10):

Labcorp Genetics (formerly Invitae), Labcorp
Classification: Likely benign for Neurofibromatosis, type 1. Last evaluated: 2025-12-14. Review status: criteria provided, single submitter. Criteria: Invitae Variant Classification Sherloc (09022015). Collection method: clinical testing. Allele origin: germline.

Blueprint Genetics
Classification: Likely benign. Last evaluated: 2024-06-11. Review status: criteria provided, single submitter. Criteria: ACMG Guidelines, 2015. Collection method: clinical testing. Allele origin: germline.

Ambry Genetics
Classification: Likely benign for Cardiovascular phenotype; Hereditary cancer-predisposing syndrome. Last evaluated: 2022-07-19. Review status: criteria provided, single submitter. Criteria: Ambry Variant Classification Scheme 2023. Collection method: clinical testing. Allele origin: germline.

GeneDx
Classification: Uncertain significance. Last evaluated: 2022-06-30. Review status: criteria provided, single submitter. Criteria: GeneDx Variant Classification Process June 2021. Collection method: clinical testing. Allele origin: germline. Affected: yes.
Comment: In silico analysis supports that this missense variant does not alter protein structure/function; Observed among unaffected controls, but not in any cases in a breast cancer study (Momozawa 2018); This variant is associated with the following publications: (PMID: 30287823, 25486365)

Genome-Nilou Lab
Classification: Uncertain significance for Neurofibromatosis, type 1. Last evaluated: 2022-03-15. Review status: criteria provided, single submitter. Criteria: ACMG Guidelines, 2015. Collection method: clinical testing. Allele origin: germline. Affected: no.

Illumina Laboratory Services, Illumina
Classification: Uncertain significance for Neurofibromatosis-Noonan syndrome. Last evaluated: 2018-02-02. Review status: criteria provided, single submitter. Criteria: ICSL Variant Classification Criteria 13 December 2019. Collection method: clinical testing. Allele origin: germline.

Illumina Laboratory Services, Illumina
Classification: Uncertain significance for Neurofibromatosis, familial spinal. Last evaluated: 2018-02-02. Review status: criteria provided, single submitter. Criteria: ICSL Variant Classification Criteria 13 December 2019. Collection method: clinical testing. Allele origin: germline.

Illumina Laboratory Services, Illumina
Classification: Uncertain significance for Café-au-lait macules with pulmonary stenosis. Last evaluated: 2018-02-02. Review status: criteria provided, single submitter. Criteria: ICSL Variant Classification Criteria 13 December 2019. Collection method: clinical testing. Allele origin: germline.

Illumina Laboratory Services, Illumina
Classification: Uncertain significance for Neurofibromatosis, type 1. Last evaluated: 2018-02-02. Review status: criteria provided, single submitter. Criteria: ICSL Variant Classification Criteria 13 December 2019. Collection method: clinical testing. Allele origin: germline.

Ambry Genetics
Classification: Uncertain significance for Hereditary cancer-predisposing syndrome. Last evaluated: 2015-09-13. Review status: criteria provided, single submitter. Criteria: Ambry Autosomal Dominant and X-Linked criteria (10/2015). Collection method: clinical testing. Allele origin: germline. Observed: 1 variant allele.
Comment: Thep.G675Rvariant (also known as c.2023G>A), located in coding exon 18 of theNF1gene, results from a G to A substitution at nucleotide position 2023. The glycine at codon 675 is replaced by arginine, an amino acid with dissimilar properties. This variant was not reported in population based cohorts in the following databases: Database of Single Nucleotide Polymorphisms (dbSNP), NHLBI Exome Sequencing Project (ESP), and 1000 Genomes Project. In the ESP, this variant was not observed in 6503 samples (13006 alleles) with coverage at this position. To date, this alteration has been detected with an allele frequency of approximately 0.004% (greater than 55000 alleles tested) in our clinical cohort.This amino acid position is highly conserved in available vertebrate species. In addition, the in silico prediction for this alteration is inconclusive.Since supporting evidence is limited at this time, the clinical significance of p.G675Rremains unclear.

NM_001042492.3(NF1):c.2023G>A (p.Gly675Arg)

Gene: NF1 (neurofibromin 1; plus strand). Cytogenetic location: 17q11.2.
Variant type: single nucleotide variant.
Coding change: c.2023G>A on transcript NM_001042492.3 (MANE Select); coding-DNA position 2023, G replaced by A.
Protein change: p.Gly675Arg; replaces glycine 675 with arginine.
Molecular consequence: missense variant.
Genome position (GRCh38, 1-based): chr17:31,226,456, G>A. VCF-style: chr17-31226456-G-A. GRCh37 (hg19) VCF-style: chr17-29553474-G-A.
Other names: c.2023G>A, p.Gly675Arg (NM_000267.4); short protein forms G675R.
Identifiers: ClinVar variation 230614 (VCV000230614.19), dbSNP rs779546178, ClinGen allele CA10580240.
Genomic context (GRCh38, chr17:31,226,456, plus strand): 5'-CCAAGTTGCAAATATATGTCTTCCACCCTTGACTCTCAGGATAGTGCAGCAGGATGCAGC[G>A]GAACCCCCCCGATTTGCCGACAAGCCCAGACCAAACTAGAAGTGGCCCTGTACATGTTTC-3'
Protein context (NP_001035957.1, residues 665-685): SSMDSAAGCS[Gly675Arg]TPPICRQAQT